The following is an entry in ClinVar:

ClinVar aggregate classification (germline): Pathogenic (1 of 4 stars; one submission).

Submission:

Labcorp Genetics (formerly Invitae), Labcorp
Classification: Pathogenic. Last evaluated: 2023-03-22. Review status: criteria provided, single submitter. Criteria: Invitae Variant Classification Sherloc (09022015). Collection method: clinical testing. Allele origin: germline.
Comment: For these reasons, this variant has been classified as Pathogenic. This sequence change creates a premature translational stop signal (p.Val171Alafs*34) in the TBX20 gene. It is expected to result in an absent or disrupted protein product. Loss-of-function variants in TBX20 are known to be pathogenic (PMID: 15901664, 25625280, 26118961, 27510170). This variant is not present in population databases (gnomAD no frequency). This variant has not been reported in the literature in individuals affected with TBX20-related conditions.

Literature cited by the submitters: PubMed 15901664; PubMed 25625280; PubMed 26118961; PubMed 27510170.

NM_001077653.2(TBX20):c.512_518del (p.Val171fs)

Gene: TBX20 (T-box transcription factor 20; minus strand). Cytogenetic location: 7p14.2.
Variant type: Microsatellite.
Coding change: c.512_518del on transcript NM_001077653.2 (MANE Select); coding-DNA positions 512 to 518, 7 bases deleted (TGGCTGG; older notation c.512_518delTGGCTGG).
Protein change: p.Val171fs; shifts the reading frame from valine 171.
Molecular consequence: frameshift variant.
Genome position (GRCh38, 1-based): chr7:35,248,704-35,248,710, CCAGCCA deleted on the plus strand (TGGCTGG on the coding strand, the reverse complement: TBX20 is on the minus strand); deleting any 7 consecutive bases within chr7:35,248,704-35,248,717 gives the same sequence; the c. name uses the placement nearest the transcript's 3' end. VCF-style (leftmost placement, unchanged base first): chr7-35248703-GCCAGCCA-G. GRCh37 (hg19) VCF-style: chr7-35288315-GCCAGCCA-G.
Other names: c.512_518del, p.Val171fs (NM_001166220.1); short protein forms V171fs.
Identifiers: ClinVar variation 2848378 (VCV002848378.3), dbSNP rs2546996367, ClinGen allele CA2739266409.
Genomic context (GRCh38, chr7:35,248,703, plus strand): 5'-CAGTTTTCTCAGTGAAAAATCTGGAGGCACGAACCTGGCTGGCAACGGCGGGTCGGCCTT[GCCAGCCA>G]CCAGCCAGGAGGACCGGTGGTAGGCGTAGCGGTACCTCTTGTTGTCCACAGGGACGATGT-3'